The following is an entry in ClinVar:

ClinVar aggregate classification (germline): Uncertain significance (1 of 4 stars; one submission).

Conditions:
Fanconi anemia complementation group J. Also called: BRIP1-Related Fanconi Anemia. Identifiers: Orphanet 84, MedGen C1836860, MONDO:0012187, OMIM 609054.
Familial cancer of breast. Also called: BREAST CANCER, FAMILIAL; hereditary breast carcinoma; Hereditary breast cancer. Identifiers: Orphanet 227535, MedGen C0346153, MONDO:0016419, OMIM 114480. Disease mechanism: loss of function.

Submission:

Labcorp Genetics (formerly Invitae), Labcorp
Classification: Uncertain significance for Familial cancer of breast; Fanconi anemia complementation group J. Last evaluated: 2025-07-30. Review status: criteria provided, single submitter. Criteria: Invitae Variant Classification Sherloc (09022015). Collection method: clinical testing. Allele origin: germline.
Comment: This sequence change falls in intron 2 of the BRIP1 gene. It does not directly change the encoded amino acid sequence of the BRIP1 protein. It affects a nucleotide within the consensus splice site. This variant is not present in population databases (gnomAD no frequency). This variant has not been reported in the literature in individuals affected with BRIP1-related conditions. ClinVar contains an entry for this variant (Variation ID: 2111234). Variants that disrupt the consensus splice site are a relatively common cause of aberrant splicing (PMID: 17576681, 9536098). Algorithms developed to predict the effect of sequence changes on RNA splicing suggest that this variant may disrupt the consensus splice site. In summary, the available evidence is currently insufficient to determine the role of this variant in disease. Therefore, it has been classified as a Variant of Uncertain Significance.

Literature cited by the submitters: PubMed 17576681; PubMed 9536098.

NM_032043.3(BRIP1):c.93+3A>C

Gene: BRIP1 (BRCA1 interacting DNA helicase 1; minus strand). Cytogenetic location: 17q23.2.
Variant type: single nucleotide variant.
Coding change: c.93+3A>C on transcript NM_032043.3 (MANE Select); 3 bases into the intron after coding-DNA position 93, A replaced by C.
Molecular consequence: intron variant.
Genome position (GRCh38, 1-based): chr17:61,861,444, T>G on the plus strand (A>C on the coding strand, the complement: BRIP1 is on the minus strand). VCF-style: chr17-61861444-T-G. GRCh37 (hg19) VCF-style: chr17-59938805-T-G.
Identifiers: ClinVar variation 2111234 (VCV002111234.4), dbSNP rs2545479569, ClinGen allele CA2580094656.
Genomic context (GRCh38, chr17:61,861,444, plus strand): 5'-TGTACTTTATGGGTCATAAGTATCTATATCTTAATAAAAACTTAACTGCTGAAAAATACT[T>G]ACAGAATTCATCATAGCAAGCTGTGACGGGTAAGCTTTATAAGGAAAGTAAATCTTCACC-3'